The following is an entry in ClinVar:

ClinVar aggregate classification (germline): Pathogenic/Likely pathogenic. Review status: criteria provided, multiple submitters, no conflicts (2 of 4 stars). 2 submissions from 2 submitters: Pathogenic (1); Likely pathogenic (1). Last evaluated 2022-06-28.

Conditions:
Spermatogenic failure 65 (SPGF65). Identifiers: MedGen C5562067, MONDO:0030531, OMIM 619712.

Allele frequency attached by ClinVar (database versions not stated): gnomAD exomes below 0.00001.

Submissions (2):

Labcorp Genetics (formerly Invitae), Labcorp
Classification: Pathogenic. Last evaluated: 2022-06-28. Review status: criteria provided, single submitter. Criteria: Invitae Variant Classification Sherloc (09022015). Collection method: clinical testing. Allele origin: germline.
Comment: This sequence change creates a premature translational stop signal (p.Gln754Argfs*33) in the DNHD1 gene. It is expected to result in an absent or disrupted protein product. Loss-of-function variants in DNHD1 are known to be pathogenic (PMID: 34932939). This variant is not present in population databases (gnomAD no frequency). This variant has not been reported in the literature in individuals affected with DNHD1-related conditions. For these reasons, this variant has been classified as Pathogenic.

Juno Genomics, Hangzhou Juno Genomics, Inc
Classification: Likely pathogenic for Spermatogenic failure 65. Review status: criteria provided, single submitter. Criteria: ACMG Guidelines, 2015. Collection method: clinical testing. Allele origin: germline.
Comment: Absent from controls (or at extremely low frequency if recessive) in Genome Aggregation Database.;Null variant in a gene where loss of function (LOF) is a known mechanism of disease.

Literature cited by the submitters: PubMed 34932939 (cited by Labcorp Genetics (formerly Invitae), Labcorp).

NM_144666.3(DNHD1):c.2260del (p.Gln754fs)

Gene: DNHD1 (dynein heavy chain domain 1; plus strand). Cytogenetic location: 11p15.4.
Variant type: Deletion.
Coding change: c.2260del on transcript NM_144666.3 (MANE Select); coding-DNA position 2260, one base deleted (C; older notation c.2260delC).
Protein change: p.Gln754fs; shifts the reading frame from glutamine 754.
Molecular consequence: frameshift variant.
Genome position (GRCh38, 1-based): chr11:6,529,034, C deleted. VCF-style (leftmost placement, unchanged base first): chr11-6529033-GC-G. GRCh37 (hg19) VCF-style: chr11-6550263-GC-G.
Other names: short protein forms Q754fs.
Identifiers: ClinVar variation 2049498 (VCV002049498.3), dbSNP rs2494007936, ClinGen allele CA2580083937.